The following is an entry in ClinVar:

ClinVar aggregate classification (germline): Conflicting classifications of pathogenicity. Review status: criteria provided, conflicting classifications (1 of 4 stars). 3 submissions from 3 submitters: Uncertain significance (2); Likely benign (1). Last evaluated 2026-03-24.

Conditions:
Inborn genetic diseases. Identifiers: MedGen C0950123, MeSH D030342.
CUL7-related disorder. Also called: CUL7-related condition.

Allele frequency attached by ClinVar (database versions not stated): TOPMed 0.00060; gnomAD 0.00065.
gnomAD v4.1: 166 of 1,614,076 alleles (0.01%); highest among the groups gnomAD compares: Admixed American, 0.27%; 2 homozygotes.

Submissions (3):

PreventionGenetics, part of Exact Sciences
Classification: Likely benign for CUL7-related condition. Last evaluated: 2026-03-24. Review status: criteria provided, single submitter. Criteria: ACMG Guidelines, 2015. Collection method: clinical testing. Allele origin: germline.
Comment: This variant is classified as likely benign based on ACMG/AMP sequence variant interpretation guidelines (Richards et al. 2015 PMID: 25741868, with internal and published modifications).

Ambry Genetics
Classification: Uncertain significance for Inborn genetic diseases. Last evaluated: 2025-03-11. Review status: criteria provided, single submitter. Criteria: Ambry Variant Classification Scheme 2023. Collection method: clinical testing. Allele origin: germline.

Labcorp Genetics (formerly Invitae), Labcorp
Classification: Uncertain significance. Last evaluated: 2024-05-18. Review status: criteria provided, single submitter. Criteria: Invitae Variant Classification Sherloc (09022015). Collection method: clinical testing. Allele origin: germline.
Comment: This sequence change replaces aspartic acid, which is acidic and polar, with tyrosine, which is neutral and polar, at codon 375 of the CUL7 protein (p.Asp375Tyr). This variant is present in population databases (rs537408884, gnomAD 0.2%), including at least one homozygous and/or hemizygous individual. This variant has not been reported in the literature in individuals affected with CUL7-related conditions. ClinVar contains an entry for this variant (Variation ID: 1398846). An algorithm developed to predict the effect of missense changes on protein structure and function (PolyPhen-2) suggests that this variant is likely to be disruptive. In summary, the available evidence is currently insufficient to determine the role of this variant in disease. Therefore, it has been classified as a Variant of Uncertain Significance.

NM_014780.5(CUL7):c.1123G>T (p.Asp375Tyr)

Gene: CUL7 (cullin 7; minus strand). Cytogenetic location: 6p21.1.
Variant type: single nucleotide variant.
Coding change: c.1123G>T on transcript NM_014780.5 (MANE Select); coding-DNA position 1123, G replaced by T.
Protein change: p.Asp375Tyr; replaces aspartic acid 375 with tyrosine.
Molecular consequence: missense variant.
Genome position (GRCh38, 1-based): chr6:43,051,078, C>A on the plus strand (G>T on the coding strand, the complement: CUL7 is on the minus strand). VCF-style: chr6-43051078-C-A. GRCh37 (hg19) VCF-style: chr6-43018816-C-A.
Other names: c.1123G>T (NM_014780.4); c.1219G>T, p.Asp407Tyr (NM_001168370.2, NM_001374872.1); c.1123G>T, p.Asp375Tyr (NM_001374873.1, NM_001374874.1); short protein forms D407Y, D375Y.
Identifiers: ClinVar variation 1398846 (VCV001398846.8), dbSNP rs537408884, ClinGen allele CA3814228.
Genomic context (GRCh38, chr6:43,051,078, plus strand): 5'-CGGCACTGATCTCCTCATAATCATCCAGCATCCGCACTCGCATCCCCGGCTGCAGTGTGT[C>A]CCGCACATACAAAGCATAGGTATTGCCACTTGCGAACTCAGAACGAGGGCGAAAACGTCT-3'
Protein context (NP_055595.2, residues 365-385): SGNTYALYVR[Asp375Tyr]TLQPGMRVRM